The following is an entry in ClinVar:

NM_000274.4(OAT):c.1253_1260dup (p.Lys421delinsTrpTer)

Gene: OAT (ornithine aminotransferase; minus strand). Cytogenetic location: 10q26.13.
Variant type: Duplication.
Coding change: c.1253_1260dup on transcript NM_000274.4 (MANE Select); coding-DNA positions 1253 to 1260, 8 bases duplicated (TGGTGATC; older notation c.1253_1260dupTGGTGATC).
Protein change: p.Lys421delinsTrpTer.
Molecular consequence: nonsense.
Genome position (GRCh38, 1-based): chr10:124,398,002-124,398,009, GATCACCA duplicated on the plus strand (TGGTGATC on the coding strand, the reverse complement: OAT is on the minus strand); duplicating any 8 consecutive bases within chr10:124,398,002-124,398,010 gives the same sequence; the c. name uses the placement nearest the transcript's 3' end. VCF-style (leftmost placement, unchanged base first): chr10-124398001-T-TGATCACCA. GRCh37 (hg19) VCF-style: chr10-126086570-T-TGATCACCA.
Other names: c.839_846dup, p.Lys283delinsTrpTer (NM_001171814.2); c.1253_1260dup, p.Lys421delinsTrpTer (NM_001322965.2, NM_001322966.2, NM_001322967.2 and 3 more transcripts); c.932_939dup, p.Lys314delinsTrpTer (NM_001322971.2); c.653_660dup, p.Lys221delinsTrpTer (NM_001322974.2).
Identifiers: ClinVar variation 1074082 (VCV001074082.9), dbSNP rs2134440057, ClinGen allele CA2499220189.
Genomic context (GRCh38, chr10:124,398,001, plus strand): 5'-CTCAGAAAGACAAGATGGTCTTGTTAATAATTTCAATGGACTCTCGAAGCTCATCCTCCT[T>TGATCACCA]GATCACCAGCGGAGGCGCAAACCTGATAATGTCGCCATGGGTTGGCTTGGCCAGAAGTCC-3'

ClinVar aggregate classification (germline): Pathogenic (1 of 4 stars; one submission).

Conditions:
Ornithine aminotransferase deficiency (GACR). Also called: HYPERORNITHINEMIA WITH GYRATE ATROPHY OF CHOROID AND RETINA; OAT DEFICIENCY; OKT DEFICIENCY; Ornithine ketoacid aminotransferase deficiency; Gyrate atrophy; Gyrate atrophy of choroid and retina. Identifiers: Orphanet 414, MedGen C0018425, MONDO:0009796, OMIM 258870.

Submission:

Labcorp Genetics (formerly Invitae), Labcorp
Classification: Pathogenic for Ornithine aminotransferase deficiency. Last evaluated: 2025-02-06. Review status: criteria provided, single submitter. Criteria: Invitae Variant Classification Sherloc (09022015). Collection method: clinical testing. Allele origin: germline.
Comment: This sequence change creates a premature translational stop signal (p.Lys421Trpfs*2) in the OAT gene. While this is not anticipated to result in nonsense mediated decay, it is expected to disrupt the last 19 amino acid(s) of the OAT protein. This variant is not present in population databases (gnomAD no frequency). This variant has not been reported in the literature in individuals affected with OAT-related conditions. ClinVar contains an entry for this variant (Variation ID: 1074082). Algorithms developed to predict the effect of sequence changes on RNA splicing suggest that this variant may create or strengthen a splice site. This variant disrupts a region of the OAT protein in which other variant(s) (p.Arg426*) have been determined to be pathogenic (PMID: 1609808, 24429551). This suggests that this is a clinically significant region of the protein, and that variants that disrupt it are likely to be disease-causing. For these reasons, this variant has been classified as Pathogenic.

Literature cited by the submitters: PubMed 1609808; PubMed 24429551.